The following is an entry in ClinVar:

ClinVar aggregate classification (germline): Benign/Likely benign. Review status: criteria provided, multiple submitters, no conflicts (2 of 4 stars). 4 submissions from 4 submitters: Benign (1); Likely benign (3). Last evaluated 2026-01-20.

Conditions:
RASGRP2-related disorder. Also called: RASGRP2-related condition.

Allele frequency attached by ClinVar (database versions not stated): ESP Exome Variant Server 0.00038; gnomAD 0.00063 and 0.00084; gnomAD exomes 0.00087 and 0.00120; TOPMed 0.00111; ExAC 0.00139; 1000 Genomes Project 30x 0.00344; 1000 Genomes Project 0.00359.
gnomAD v4.1: 1,386 of 1,613,624 alleles (0.086%); highest among the groups gnomAD compares: East Asian, 1.7%; 11 homozygotes.

Submissions (4):

Labcorp Genetics (formerly Invitae), Labcorp
Classification: Benign. Last evaluated: 2026-01-20. Review status: criteria provided, single submitter. Criteria: Invitae Variant Classification Sherloc (09022015). Collection method: clinical testing. Allele origin: germline.

PreventionGenetics, part of Exact Sciences
Classification: Likely benign for RASGRP2-related condition. Last evaluated: 2025-06-12. Review status: criteria provided, single submitter. Criteria: ACMG Guidelines, 2015. Collection method: clinical testing. Allele origin: germline.
Comment: This variant is classified as likely benign based on ACMG/AMP sequence variant interpretation guidelines (Richards et al. 2015 PMID: 25741868, with internal and published modifications).

Blueprint Genetics
Classification: Likely benign. Last evaluated: 2024-11-13. Review status: criteria provided, single submitter. Criteria: ACMG Guidelines, 2015. Collection method: clinical testing. Allele origin: germline.

Mayo Clinic Laboratories, Mayo Clinic
Classification: Likely benign. Last evaluated: 2024-01-23. Review status: criteria provided, single submitter. Criteria: ACMG Guidelines, 2015. Collection method: clinical testing. Allele origin: germline. Observed: 3 variant alleles.
Comment: BP4, BP7

NM_001098671.2(RASGRP2):c.814-6C>T

Gene: RASGRP2 (RAS guanyl releasing protein 2; minus strand). Cytogenetic location: 11q13.1.
Variant type: single nucleotide variant.
Coding change: c.814-6C>T on transcript NM_001098671.2 (MANE Select); 6 bases into the intron before coding-DNA position 814, C replaced by T.
Molecular consequence: intron variant.
Genome position (GRCh38, 1-based): chr11:64,737,040, G>A on the plus strand (C>T on the coding strand, the complement: RASGRP2 is on the minus strand). VCF-style: chr11-64737040-G-A. GRCh37 (hg19) VCF-style: chr11-64504512-G-A.
Other names: p.?; c.814-6C>T (NM_153819.2, NM_001440690.1, NM_001440698.1 and 9 more transcripts); c.811-6C>T (NM_001440702.1, NM_001440701.1, NM_001440700.1); c.898-6C>T (NM_001440705.1); c.901-6C>T (NM_001440703.1, NM_001440704.1); c.379-6C>T (NM_001318398.2).
Identifiers: ClinVar variation 711339 (VCV000711339.12), dbSNP rs79402611, ClinGen allele CA6079106.